The following is an entry in ClinVar:

ClinVar aggregate classification (germline): Uncertain significance (1 of 4 stars; one submission).

gnomAD v4.1: 4 of 1,551,962 alleles (0.00026%); highest among the groups gnomAD compares: Non-Finnish European, 0.00035%; no homozygotes.

Submission:

GeneDx
Classification: Uncertain significance. Last evaluated: 2024-03-26. Review status: criteria provided, single submitter. Criteria: GeneDx Variant Classification Process June 2021. Collection method: clinical testing. Allele origin: germline. Affected: yes.
Comment: Not observed at significant frequency in large population cohorts (gnomAD); In silico analysis supports that this missense variant has a deleterious effect on protein structure/function; Has not been previously published as pathogenic or benign to our knowledge

NM_001367479.1(DNAH14):c.9610T>A (p.Tyr3204Asn)

Gene: DNAH14 (dynein axonemal heavy chain 14; plus strand). Cytogenetic location: 1q42.12.
Variant type: single nucleotide variant.
Coding change: c.9610T>A on transcript NM_001367479.1 (MANE Select); coding-DNA position 9610, T replaced by A.
Protein change: p.Tyr3204Asn; replaces tyrosine 3204 with asparagine.
Molecular consequence: missense variant.
Genome position (GRCh38, 1-based): chr1:225,324,336, T>A. VCF-style: chr1-225324336-T-A. GRCh37 (hg19) VCF-style: chr1-225512038-T-A.
Other names: NM_001373.1:c.9331T>A; short protein forms Y3204N.
Identifiers: ClinVar variation 3371299 (VCV003371299.1).
Genomic context (GRCh38, chr1:225,324,336, plus strand): 5'-ATTTCGCTGGTTTCTGTTGCTTGTTGCTCCCTGTGCCAGTGGGTTATAGCTTTGAATAAC[T>A]ACCATGAAGTACAGAAGGTATGCTTTTCCTCCTAAACATCTGTCATGATTTGGAAGTGGC-3'
Protein context (NP_001354408.1, residues 3194-3214): LCQWVIALNN[Tyr3204Asn]HEVQKVVGPK